The following is an entry in ClinVar:

ClinVar aggregate classification (germline): Likely benign. Review status: criteria provided, single submitter (1 of 4 stars). 2 submissions from 2 submitters: Likely benign (1). 1 of the submissions does not count toward it. Last evaluated 2025-07-31.

Conditions:
SLC9A3-related disorder. Also called: SLC9A3-related condition.

Allele frequency attached by ClinVar (database versions not stated): ExAC 0.00013; gnomAD 0.00002.

Submissions (2):

Labcorp Genetics (formerly Invitae), Labcorp
Classification: Likely benign. Last evaluated: 2025-07-31. Review status: criteria provided, single submitter. Criteria: Invitae Variant Classification Sherloc (09022015). Collection method: clinical testing. Allele origin: germline.

PreventionGenetics, part of Exact Sciences
Classification: Likely benign for SLC9A3-related condition. Last evaluated: 2019-05-13. Review status: no assertion criteria provided. Collection method: clinical testing. Allele origin: germline. Not counted in ClinVar's aggregate classification.
Comment: This variant is classified as likely benign based on ACMG/AMP sequence variant interpretation guidelines (Richards et al. 2015 PMID: 25741868, with internal and published modifications).

NM_004174.4(SLC9A3):c.1446+9G>A

Gene: SLC9A3 (solute carrier family 9 member A3). Cytogenetic location: 5p15.33.
Variant type: single nucleotide variant.
Coding change: c.1446+9G>A on transcript NM_004174.4 (MANE Select); 9 bases into the intron after coding-DNA position 1446, G replaced by A.
Molecular consequence: intron variant.
Genome position (GRCh38, 1-based): chr5:482,059, C>T on the plus strand (G>A on the coding strand, the complement: SLC9A3 is on the minus strand). VCF-style: chr5-482059-C-T. GRCh37 (hg19) VCF-style: chr5-482174-C-T.
Other names: c.1419+9G>A (NM_001284351.3); c.1446+9G>A (NM_004174.3).
Identifiers: ClinVar variation 2003874 (VCV002003874.6), dbSNP rs774931891, ClinGen allele CA3175939.
Genomic context (GRCh38, chr5:482,059, plus strand): 5'-CTCTCCCCTCTCAGCCCAGCCCCGAGGAACACGCAGTGCCCCCCCCCCGCCCCCCAGCCC[C>T]GCACTTACGCGCCCGTGCAGCTTCTCGTTGAGCCGAGGTTCCCGGTGCTCGCTCCTCTTC-3'